The following is an entry in ClinVar:

ClinVar aggregate classification (germline): Conflicting classifications of pathogenicity. Review status: criteria provided, conflicting classifications (1 of 4 stars). 2 submissions from 2 submitters: Uncertain significance (1); Likely benign (1). Last evaluated 2024-06-26.

Conditions:
Ataxia-telangiectasia syndrome (AT). Also called: Ataxia telangiectasia (A-T); LOUIS-BAR SYNDROME; Cerebello-oculocutaneous telangiectasia; Immunodeficiency with ataxia telangiectasia; Ataxia-telangiectasia, complementation group D; AT, COMPLEMENTATION GROUP C. Identifiers: Orphanet 100, MedGen C0004135, MONDO:0008840, OMIM 208900.
Hereditary cancer-predisposing syndrome. Also called: Hereditary neoplastic syndrome; Neoplastic Syndromes, Hereditary; Tumor predisposition; Hereditary Cancer Syndrome. Identifiers: Orphanet 140162, MedGen C0027672, MeSH D009386, MONDO:0015356.

Allele frequency attached by ClinVar (database versions not stated): gnomAD exomes below 0.00001.
gnomAD v4.1: 1 of 1,614,136 alleles (0.000062%); highest among the groups gnomAD compares: Non-Finnish European, 0.000085%; no homozygotes.

Submissions (2):

Ambry Genetics
Classification: Likely benign for Hereditary cancer-predisposing syndrome. Last evaluated: 2024-06-26. Review status: criteria provided, single submitter. Criteria: Ambry Variant Classification Scheme 2023. Collection method: clinical testing. Allele origin: germline.

Labcorp Genetics (formerly Invitae), Labcorp
Classification: Uncertain significance for Ataxia-telangiectasia syndrome. Last evaluated: 2024-04-15. Review status: criteria provided, single submitter. Criteria: Invitae Variant Classification Sherloc (09022015). Collection method: clinical testing. Allele origin: germline.
Comment: This sequence change replaces serine, which is neutral and polar, with proline, which is neutral and non-polar, at codon 854 of the ATM protein (p.Ser854Pro). This variant is not present in population databases (gnomAD no frequency). This variant has not been reported in the literature in individuals affected with ATM-related conditions. ClinVar contains an entry for this variant (Variation ID: 407609). Algorithms developed to predict the effect of missense changes on protein structure and function output the following: SIFT: "Not Available"; PolyPhen-2: "Benign"; Align-GVGD: "Not Available". The proline amino acid residue is found in multiple mammalian species, which suggests that this missense change does not adversely affect protein function. In summary, the available evidence is currently insufficient to determine the role of this variant in disease. Therefore, it has been classified as a Variant of Uncertain Significance.

NM_000051.4(ATM):c.2560T>C (p.Ser854Pro)

Gene: ATM (ATM serine/threonine kinase; plus strand). Cytogenetic location: 11q22.3.
Variant type: single nucleotide variant.
Coding change: c.2560T>C on transcript NM_000051.4 (MANE Select); coding-DNA position 2560, T replaced by C.
Protein change: p.Ser854Pro; replaces serine 854 with proline.
Molecular consequence: missense variant.
Genome position (GRCh38, 1-based): chr11:108,267,264, T>C. VCF-style: chr11-108267264-T-C. GRCh37 (hg19) VCF-style: chr11-108137991-T-C.
Other names: c.2560T>C, p.Ser854Pro (NM_001351834.2); short protein forms S854P.
Identifiers: ClinVar variation 407609 (VCV000407609.11), dbSNP rs1060501632, ClinGen allele CA16613107.